The following is an entry in ClinVar:

NM_001754.5(RUNX1):c.253_254insGGGG (p.His85fs)

Gene: RUNX1 (RUNX family transcription factor 1; minus strand). Cytogenetic location: 21q22.12.
Variant type: Insertion.
Coding change: c.253_254insGGGG on transcript NM_001754.5 (MANE Select); coding-DNA positions 253 to 254, GGGG inserted.
Protein change: p.His85fs; shifts the reading frame from histidine 85.
Molecular consequence: frameshift variant.
Genome position: GRCh38 VCF-style: chr21-34886940-T-TCCCC. GRCh37 (hg19) VCF-style: chr21-36259237-T-TCCCC.
Other names: NM_001754.5(RUNX1):c.253_254insGGGG; p.His85fs; c.172_173insGGGG, p.His58fs (NM_001001890.3, NM_001122607.2); short protein forms H58fs, H85fs.
Identifiers: ClinVar variation 1073521 (VCV001073521.9), dbSNP rs2146410489, ClinGen allele CA2499225882.

ClinVar aggregate classification (germline): Likely pathogenic. Review status: reviewed by expert panel (3 of 4 stars). 2 submissions from 2 submitters: Likely pathogenic (1). 1 of the submissions does not count toward it. Last evaluated 2026-10-15.

Conditions:
Hereditary thrombocytopenia and hematologic cancer predisposition syndrome. Identifiers: Orphanet 71290, MedGen CN281654, MONDO:0011071.
Hereditary thrombocytopenia and hematological cancer predisposition syndrome associated with RUNX1. Also called: RUNX1 Familial Platelet Disorder with Associated Myeloid Malignancies; Familial Platelet Disorder with Propensity to Acute Myelogenous Leukemia; Familial thrombocytopenia with propensity to acute myelogenous leukemia; PLATELET DISORDER, ASPIRIN-LIKE. Identifiers: Orphanet 71290, MedGen C1832388, MeSH C563324, MONDO:0100083, OMIM 601399.

Submissions (2):

ClinGen Myeloid Malignancy Variant Curation Expert Panel
Classification: Likely pathogenic for Hereditary thrombocytopenia and hematologic cancer predisposition syndrome. Last evaluated: 2026-10-15. Review status: reviewed by expert panel. Criteria: ClinGen MyeloMalig ACMG Specifications V3.1. Collection method: curation. Allele origin: germline. Inheritance: Autosomal dominant inheritance.
Comment: NM_001754.5(RUNX1):c.253_254insGGGG (p.His85fs) is a frameshift variant which is predicted to undergo NMD (PVS1). This variant is completely absent from all population databases with at least 20x coverage for RUNX1 (PM2_Supporting). In summary, this variant meets criteria to be classified as likely pathogenic. ACMG/AMP criteria applied, as specified by the Myeloid Malignancy Variant Curation Expert Panel for RUNX1: PVS1, PM2_Supporting.

Labcorp Genetics (formerly Invitae), Labcorp
Classification: Pathogenic for Hereditary thrombocytopenia and hematological cancer predisposition syndrome associated with RUNX1. Last evaluated: 2020-02-19. Review status: criteria provided, single submitter. Criteria: Invitae Variant Classification Sherloc (09022015). Collection method: clinical testing. Allele origin: germline. Not counted in ClinVar's aggregate classification.
Comment: This sequence change creates a premature translational stop signal (p.His85Argfs*54) in the RUNX1 gene. It is expected to result in an absent or disrupted protein product. For these reasons, this variant has been classified as Pathogenic. Loss-of-function variants in RUNX1 are known to be pathogenic (PMID: 18723428, 24100448). This variant has not been reported in the literature in individuals with RUNX1-related conditions. This variant is not present in population databases (ExAC no frequency).

Literature cited by the submitters: PubMed 18723428 (cited by Labcorp Genetics (formerly Invitae), Labcorp); PubMed 24100448 (cited by Labcorp Genetics (formerly Invitae), Labcorp).